The following is an entry in ClinVar:

ClinVar aggregate classification (germline): Pathogenic. Review status: criteria provided, multiple submitters, no conflicts (2 of 4 stars). 3 submissions from 3 submitters: Pathogenic (3). Last evaluated 2024-09-24.

Conditions:
RPGR-related disorder. Also called: RPGR-related condition.
Primary ciliary dyskinesia. Also called: Ciliary dyskinesia. Identifiers: Orphanet 244, MedGen C0008780, MONDO:0016575, HP:0012265.

Submissions (3):

Blueprint Genetics
Classification: Pathogenic for RPGR-related disorders. Last evaluated: 2024-09-24. Review status: criteria provided, single submitter. Criteria: ACMG Guidelines, 2015. Collection method: clinical testing. Allele origin: germline. Affected: yes. Observed: 5 variant alleles.

Labcorp Genetics (formerly Invitae), Labcorp
Classification: Pathogenic for Primary ciliary dyskinesia. Last evaluated: 2024-03-04. Review status: criteria provided, single submitter. Criteria: Invitae Variant Classification Sherloc (09022015). Collection method: clinical testing. Allele origin: germline.
Comment: This sequence change creates a premature translational stop signal (p.Gly805Lysfs*8) in the RPGR (ORF15) gene. While this is not anticipated to result in nonsense mediated decay, it is expected to disrupt the last 348 amino acid(s) of the RPGR (ORF15) protein. This variant is not present in population databases (gnomAD no frequency). This premature translational stop signal has been observed in individual(s) with clinical features of retinitis pigmentosa (PMID: 27798110). ClinVar contains an entry for this variant (Variation ID: 1802358). This variant disrupts a region of the RPGR (ORF15) protein in which other variant(s) (p.Leu1130Lysfs*13) have been determined to be pathogenic (PMID: 22264887; Invitae). This suggests that this is a clinically significant region of the protein, and that variants that disrupt it are likely to be disease-causing. For these reasons, this variant has been classified as Pathogenic.

PreventionGenetics, part of Exact Sciences
Classification: Pathogenic. Last evaluated: 2019-04-22. Review status: criteria provided, single submitter. Criteria: ACMG Guidelines, 2015. Collection method: clinical testing. Allele origin: germline.

Literature cited by the submitters: PubMed 27798110 (cited by Labcorp Genetics (formerly Invitae), Labcorp); PubMed 22264887 (cited by Labcorp Genetics (formerly Invitae), Labcorp).

NM_001034853.2(RPGR):c.2412_2418del (p.Gly805fs)

Gene: RPGR (retinitis pigmentosa GTPase regulator; minus strand). Cytogenetic location: Xp11.4.
Variant type: Microsatellite.
Coding change: c.2412_2418del on transcript NM_001034853.2 (MANE Select); coding-DNA positions 2412 to 2418, 7 bases deleted (AGGGGAG; older notation c.2412_2418delAGGGGAG).
Protein change: p.Gly805fs; shifts the reading frame from glycine 805.
Molecular consequence: frameshift variant. On other transcripts: intron variant (8).
Genome position (GRCh38, 1-based): chrX:38,286,581-38,286,587, CTCCCCT deleted on the plus strand (AGGGGAG on the coding strand, the reverse complement: RPGR is on the minus strand); deleting any 7 consecutive bases within chrX:38,286,581-38,286,596 gives the same sequence; the c. name uses the placement nearest the transcript's 3' end. VCF-style (leftmost placement, unchanged base first): chrX-38286580-CCTCCCCT-C. GRCh37 (hg19) VCF-style: chrX-38145833-CCTCCCCT-C.
Other names: c.1569+4372_1569+4378del (NM_001367249.1, NM_001367250.1); c.1902+507_1902+513del (NM_001367245.1); c.1386+4372_1386+4378del (NM_001367251.1); c.1719+507_1719+513del (NM_001367246.1); c.1572+4372_1572+4378del (NM_001367247.1); c.1905+507_1905+513del (NM_000328.3); c.1602+4372_1602+4378del (NM_001367248.1); short protein forms G805fs.
Identifiers: ClinVar variation 1802358 (VCV001802358.8), dbSNP rs2519791194, ClinGen allele CA2580616984.